The following is an entry in ClinVar:

NM_138576.4(BCL11B):c.1192A>G (p.Ser398Gly)

Gene: BCL11B (BCL11 transcription factor B; minus strand). Cytogenetic location: 14q32.2.
Variant type: single nucleotide variant.
Coding change: c.1192A>G on transcript NM_138576.4 (MANE Select); coding-DNA position 1192, A replaced by G.
Protein change: p.Ser398Gly; replaces serine 398 with glycine.
Molecular consequence: missense variant.
Genome position (GRCh38, 1-based): chr14:99,175,644, T>C on the plus strand (A>G on the coding strand, the complement: BCL11B is on the minus strand). VCF-style: chr14-99175644-T-C. GRCh37 (hg19) VCF-style: chr14-99641981-T-C.
Other names: c.1189A>G, p.Ser397Gly (NM_001282237.2); c.976A>G, p.Ser326Gly (NM_001282238.2); c.979A>G, p.Ser327Gly (NM_022898.3); short protein forms S398G, S327G, S397G, S326G.
Identifiers: ClinVar variation 1988908 (VCV001988908.4), dbSNP rs1220766094, ClinGen allele CA390935918.

ClinVar aggregate classification (germline): Uncertain significance (1 of 4 stars; one submission).

Allele frequency attached by ClinVar (database versions not stated): gnomAD exomes below 0.00001; TOPMed below 0.00001; gnomAD 0.00001.
gnomAD v4.1: 2 of 1,560,406 alleles (0.00013%); highest among the groups gnomAD compares: Non-Finnish European, 0.00017%; no homozygotes.

Submission:

Labcorp Genetics (formerly Invitae), Labcorp
Classification: Uncertain significance. Last evaluated: 2021-12-12. Review status: criteria provided, single submitter. Criteria: Invitae Variant Classification Sherloc (09022015). Collection method: clinical testing. Allele origin: germline.
Comment: The frequency data for this variant in the population databases is considered unreliable, as metrics indicate poor data quality at this position in the gnomAD database. This sequence change replaces serine, which is neutral and polar, with glycine, which is neutral and non-polar, at codon 398 of the BCL11B protein (p.Ser398Gly). In summary, the available evidence is currently insufficient to determine the role of this variant in disease. Therefore, it has been classified as a Variant of Uncertain Significance. Algorithms developed to predict the effect of missense changes on protein structure and function output the following: SIFT: "Deleterious"; PolyPhen-2: "Benign"; Align-GVGD: "Class C0". The glycine amino acid residue is found in multiple mammalian species, which suggests that this missense change does not adversely affect protein function. This variant has not been reported in the literature in individuals affected with BCL11B-related conditions.